The following is an entry in ClinVar:

ClinVar aggregate classification (germline): Pathogenic (1 of 4 stars; one submission).

Submission:

ARUP Laboratories, Molecular Genetics and Genomics, ARUP Laboratories
Classification: Pathogenic. Last evaluated: 2022-01-12. Review status: criteria provided, single submitter. Criteria: ARUP Molecular Germline Variant Investigation Process 2021. Collection method: clinical testing. Allele origin: germline.
Comment: The KRIT1 c.1874_1881delTCTTACAG; p.Phe625Ter variant, to our knowledge, is not reported in the medical literature or gene specific databases. This variant is also absent from the Genome Aggregation Database, indicating it is not a common polymorphism. This variant induces an early termination codon and is predicted to result in a truncated protein or mRNA subject to nonsense-mediated decay. Data from a large cohort of 121 patients with cerebral cavernous malformations (CCM) indicated that this nonsense variant is located in a critical functional region of ERM domain, a locus enriched with pathogenic truncating variants (Cave-Riant 2002). as Additionally, several downstream pathogenic termination variants are reported in patients affected with CCM (Marto 2016). Based on available information, this variant is considered to be pathogenic. References: Cave-Riant F et al. Spectrum and expression analysis of KRIT1 mutations in 121 consecutive and unrelated patients with Cerebral Cavernous Malformations. Eur J Hum Genet. 2002 Nov;10(11):733-40. PMID: 12404106 Marto JP et al. Cerebral Cavernous Malformation: A Portuguese Family with a Novel CCM1 Mutation. Case Rep Neurol. 2016 Sep 12;8(3):193-198. PMID: 27790124

NM_194454.3(KRIT1):c.1874_1881del (p.Met624_Phe625insTer)

Gene: KRIT1 (KRIT1 ankyrin repeat containing; minus strand). Cytogenetic location: 7q21.2.
Variant type: Deletion.
Coding change: c.1874_1881del on transcript NM_194454.3 (MANE Select); coding-DNA positions 1874 to 1881, 8 bases deleted (TCTTACAG; older notation c.1874_1881delTCTTACAG).
Protein change: p.Met624_Phe625insTer.
Molecular consequence: nonsense.
Genome position (GRCh38, 1-based): chr7:92,213,339-92,213,346, CTGTAAGA deleted on the plus strand (TCTTACAG on the coding strand, the reverse complement: KRIT1 is on the minus strand). VCF-style (leftmost placement, unchanged base first): chr7-92213338-TCTGTAAGA-T. GRCh37 (hg19) VCF-style: chr7-91842652-TCTGTAAGA-T.
Other names: c.1730_1737del, p.Met576_Phe577insTer (NM_001013406.2, NM_001350669.1, NM_001350670.1); c.1160_1167del, p.Met386_Phe387insTer (NM_001350671.1); c.1874_1881del, p.Met624_Phe625insTer (NM_001350672.1, NM_001350673.1, NM_001350674.1 and 26 more transcripts).
Identifiers: ClinVar variation 1679456 (VCV001679456.7), dbSNP rs2131308944, ClinGen allele CA2573142407.
Genomic context (GRCh38, chr7:92,213,338, plus strand): 5'-CCTTTGTAAATATCTGTCCTGTGAAAAATGCTGCTCCATAAGTAGGAATTTCCCAGCAAT[TCTGTAAGA>T]ACATGCGCTGAAGGTGATGCATTTCTTTACTGACACCTTCACTTGTACTGAGATTCTAAA-3'